The following is an entry in ClinVar:

ClinVar aggregate classification (germline): Likely benign. Review status: criteria provided, multiple submitters, no conflicts (2 of 4 stars). 3 submissions from 3 submitters: Likely benign (2). 1 of the submissions does not count toward it. Last evaluated 2025-07-25.

Conditions:
LRP2-related disorder. Also called: LRP2-related condition.

Allele frequency attached by ClinVar (database versions not stated): ExAC 0.00002; gnomAD 0.00002; gnomAD exomes 0.00002 and 0.00004; TOPMed 0.00005.
gnomAD v4.1: 14 of 1,612,396 alleles (0.00087%); highest among the groups gnomAD compares: Admixed American, 0.023%; no homozygotes.

Submissions (3):

Labcorp Genetics (formerly Invitae), Labcorp
Classification: Likely benign. Last evaluated: 2025-07-25. Review status: criteria provided, single submitter. Criteria: Invitae Variant Classification Sherloc (09022015). Collection method: clinical testing. Allele origin: germline.

Blueprint Genetics
Classification: Likely benign. Last evaluated: 2022-08-18. Review status: criteria provided, single submitter. Criteria: ACMG Guidelines, 2015. Collection method: clinical testing. Allele origin: germline.

PreventionGenetics, part of Exact Sciences
Classification: Likely benign for LRP2-related condition. Last evaluated: 2019-07-30. Review status: no assertion criteria provided. Collection method: clinical testing. Allele origin: germline. Not counted in ClinVar's aggregate classification.
Comment: This variant is classified as likely benign based on ACMG/AMP sequence variant interpretation guidelines (Richards et al. 2015 PMID: 25741868, with internal and published modifications).

NM_004525.3(LRP2):c.2639+7A>G

Gene: LRP2 (LDL receptor related protein 2; minus strand). Cytogenetic location: 2q31.1.
Variant type: single nucleotide variant.
Coding change: c.2639+7A>G on transcript NM_004525.3 (MANE Select); 7 bases into the intron after coding-DNA position 2639, A replaced by G.
Molecular consequence: intron variant.
Genome position (GRCh38, 1-based): chr2:169,257,117, T>C on the plus strand (A>G on the coding strand, the complement: LRP2 is on the minus strand). VCF-style: chr2-169257117-T-C. GRCh37 (hg19) VCF-style: chr2-170113627-T-C.
Other names: c.2639+7A>G (NM_004525.2).
Identifiers: ClinVar variation 1631677 (VCV001631677.11), dbSNP rs776885594, ClinGen allele CA1955248.
Genomic context (GRCh38, chr2:169,257,117, plus strand): 5'-AACCTGCCTCATTATGTGTTCTGCAGTAAAAGAGAACTAAGTATCGGGGATGATGATTCC[T>C]ACTTACGCCCAATCGATGGCCAAGCCATTGGGCCATCCAAGAGTAGTGTTTATTACAGGC-3'